The following is an entry in ClinVar:

NM_001844.5(COL2A1):c.2219C>A (p.Pro740His)

Gene: COL2A1 (collagen type II alpha 1 chain; minus strand). Cytogenetic location: 12q13.11.
Variant type: single nucleotide variant.
Coding change: c.2219C>A on transcript NM_001844.5 (MANE Select); coding-DNA position 2219, C replaced by A.
Protein change: p.Pro740His; replaces proline 740 with histidine.
Molecular consequence: missense variant.
Genome position (GRCh38, 1-based): chr12:47,982,584, G>T on the plus strand (C>A on the coding strand, the complement: COL2A1 is on the minus strand). VCF-style: chr12-47982584-G-T. GRCh37 (hg19) VCF-style: chr12-48376367-G-T.
Other names: c.2012C>A, p.Pro671His (NM_033150.3); c.2219C>A (NM_001844.4); short protein forms P671H, P740H.
Identifiers: ClinVar variation 1063765 (VCV001063765.11), dbSNP rs774819000, ClinGen allele CA6535174.

ClinVar aggregate classification (germline): Conflicting classifications of pathogenicity. Review status: criteria provided, conflicting classifications (1 of 4 stars). 2 submissions from 2 submitters: Uncertain significance (1); Likely benign (1). Last evaluated 2026-05-20.

Allele frequency attached by ClinVar (database versions not stated): gnomAD exomes below 0.00001; TOPMed below 0.00001; ExAC 0.00001; gnomAD 0.00001.
gnomAD v4.1: 12 of 1,612,986 alleles (0.00074%); highest among the groups gnomAD compares: Non-Finnish European, 0.00085%; no homozygotes.

Submissions (2):

GeneDx
Classification: Uncertain significance. Last evaluated: 2026-05-20. Review status: criteria provided, single submitter. Criteria: GeneDx Variant Classification Process June 2021. Collection method: clinical testing. Allele origin: germline.
Comment: In silico analysis supports that this missense variant has a deleterious effect on protein structure/function; Occurs in the triple helical domain at the Y position in the canonical Gly-X-Y repeat; although this variant may have an effect on normal protein folding and function, missense substitution at the Y position is not a common mechanism of disease (HGMD); Has not been previously published as pathogenic or benign to our knowledge

Labcorp Genetics (formerly Invitae), Labcorp
Classification: Likely benign. Last evaluated: 2025-07-10. Review status: criteria provided, single submitter. Criteria: Invitae Variant Classification Sherloc (09022015). Collection method: clinical testing. Allele origin: germline.